The following is an entry in ClinVar:

NM_000246.4(CIITA):c.1649G>A (p.Arg550Gln)

Gene: CIITA (class II major histocompatibility complex transactivator; plus strand). Cytogenetic location: 16p13.13.
Variant type: single nucleotide variant.
Coding change: c.1649G>A on transcript NM_000246.4 (MANE Select); coding-DNA position 1649, G replaced by A.
Protein change: p.Arg550Gln; replaces arginine 550 with glutamine.
Molecular consequence: missense variant. On other transcripts: intron variant (1).
Genome position (GRCh38, 1-based): chr16:10,907,141, G>A. VCF-style: chr16-10907141-G-A. GRCh37 (hg19) VCF-style: chr16-11000998-G-A.
Other names: c.1652G>A, p.Arg551Gln (NM_001286402.1, NM_001379332.1); c.1505G>A, p.Arg502Gln (NM_001379330.1); c.1502G>A, p.Arg501Gln (NM_001379331.1); c.1649G>A, p.Arg550Gln (NM_001379333.1); c.1580G>A, p.Arg527Gln (NM_001379334.1); c.860-1842G>A (NM_001286403.2); short protein forms R501Q, R527Q, R550Q, R551Q, R502Q.
Identifiers: ClinVar variation 2177677 (VCV002177677.1), dbSNP rs773228525, ClinGen allele CA7900191.
Genomic context (GRCh38, chr16:10,907,141, plus strand): 5'-CCGGCCTTTTCCAGAAGAAGCTGCTCCGAGGTTGCACCCTCCTCCTCACAGCCCGGCCCC[G>A]GGGCCGCCTGGTCCAGAGCCTGAGCAAGGCCGACGCCCTATTTGAGCTGTCCGGCTTCTC-3'
Protein context (NP_000237.2, residues 540-560): GCTLLLTARP[Arg550Gln]GRLVQSLSKA

ClinVar aggregate classification (germline): Uncertain significance (1 of 4 stars; one submission).

Conditions:
MHC class II deficiency. Also called: Bare lymphocyte syndrome 2; BLS, TYPE II. Identifiers: Orphanet 572, MedGen C5447452, MONDO:0008855.

Allele frequency attached by ClinVar (database versions not stated): ExAC 0.00001; gnomAD 0.00001; TOPMed 0.00003.
gnomAD v4.1: 28 of 1,612,544 alleles (0.0017%); highest among the groups gnomAD compares: Non-Finnish European, 0.0022%; no homozygotes.

Submission:

Labcorp Genetics (formerly Invitae), Labcorp
Classification: Uncertain significance for MHC class II deficiency. Last evaluated: 2021-12-30. Review status: criteria provided, single submitter. Criteria: Invitae Variant Classification Sherloc (09022015). Collection method: clinical testing. Allele origin: germline.
Comment: This sequence change replaces arginine, which is basic and polar, with glutamine, which is neutral and polar, at codon 550 of the CIITA protein (p.Arg550Gln). The frequency data for this variant in the population databases is considered unreliable, as metrics indicate poor data quality at this position in the gnomAD database. This variant has not been reported in the literature in individuals affected with CIITA-related conditions. Algorithms developed to predict the effect of missense changes on protein structure and function are either unavailable or do not agree on the potential impact of this missense change (SIFT: "Deleterious"; PolyPhen-2: "Probably Damaging"; Align-GVGD: "Class C0"). Algorithms developed to predict the effect of sequence changes on RNA splicing suggest that this variant may create or strengthen a splice site. In summary, the available evidence is currently insufficient to determine the role of this variant in disease. Therefore, it has been classified as a Variant of Uncertain Significance.